The following is an entry in ClinVar:

ClinVar aggregate classification (germline): Uncertain significance (1 of 4 stars; one submission).

Conditions:
BBS10-related disorder. Also called: BBS10-related condition.

Submission:

PreventionGenetics, part of Exact Sciences
Classification: Uncertain significance for BBS10-related condition. Last evaluated: 2024-10-11. Review status: criteria provided, single submitter. Criteria: ACMG Guidelines, 2015. Collection method: clinical testing. Allele origin: germline.
Comment: The BBS10 c.1693A>G variant is predicted to result in the amino acid substitution p.Thr565Ala. To our knowledge, this variant has not been reported in the literature or in a large population database (gnomAD), indicating this variant is rare. At this time, the clinical significance of this variant is uncertain due to the absence of conclusive functional and genetic evidence.

NM_024685.4(BBS10):c.1693A>G (p.Thr565Ala)

Gene: BBS10 (Bardet-Biedl syndrome 10; minus strand). Cytogenetic location: 12q21.2.
Variant type: single nucleotide variant.
Coding change: c.1693A>G on transcript NM_024685.4 (MANE Select); coding-DNA position 1693, A replaced by G.
Protein change: p.Thr565Ala; replaces threonine 565 with alanine.
Molecular consequence: missense variant.
Genome position (GRCh38, 1-based): chr12:76,346,292, T>C on the plus strand (A>G on the coding strand, the complement: BBS10 is on the minus strand). VCF-style: chr12-76346292-T-C. GRCh37 (hg19) VCF-style: chr12-76740072-T-C.
Other names: short protein forms T565A.
Identifiers: ClinVar variation 4999207 (VCV004999207.1).
Genomic context (GRCh38, chr12:76,346,292, plus strand): 5'-TACCCATATTCGGTAACTTACAGCTCACTGGTAACATGCTTCCCTTTCTAGTAATATTTG[T>C]GACCTGTAAATTTTCGTAAGAAATTTCTATTCTATTTCCCCTTGTTGAATAAGCAGTGGA-3'
Protein context (NP_078961.3, residues 555-575): IEISYENLQV[Thr565Ala]NITRKGSMLP